The following is an entry in ClinVar:

NM_152347.5(EFCAB13):c.1651A>G (p.Thr551Ala)

Gene: EFCAB13 (EF-hand calcium binding domain 13; plus strand). Cytogenetic location: 17q21.32.
Variant type: single nucleotide variant.
Coding change: c.1651A>G on transcript NM_152347.5 (MANE Select); coding-DNA position 1651, A replaced by G.
Protein change: p.Thr551Ala; replaces threonine 551 with alanine.
Molecular consequence: missense variant.
Genome position (GRCh38, 1-based): chr17:47,391,505, A>G. VCF-style: chr17-47391505-A-G. GRCh37 (hg19) VCF-style: chr17-45468871-A-G.
Other names: c.1363A>G, p.Thr455Ala (NM_001195192.2, NM_001426588.1); c.1651A>G, p.Thr551Ala (NM_001426585.1); c.1507A>G, p.Thr503Ala (NM_001426586.1, NM_001426587.1); short protein forms T455A, T503A, T551A.
Identifiers: ClinVar variation 3033366 (VCV003033366.2), dbSNP rs75090710, ClinGen allele CA8624012.

ClinVar aggregate classification (germline): Benign (0 of 4 stars; one submission).

Conditions:
EFCAB13-related disorder. Also called: EFCAB13-related condition.

Allele frequency attached by ClinVar (database versions not stated): ESP Exome Variant Server 0.00085; gnomAD exomes 0.00301; gnomAD 0.00433; TOPMed 0.00450; ExAC 0.00835; 1000 Genomes Project 30x 0.01889; 1000 Genomes Project 0.01937.
gnomAD v4.1: 5,184 of 1,595,070 alleles (0.33%); highest among the groups gnomAD compares: East Asian, 5.9%; 138 homozygotes.

Submission:

PreventionGenetics, part of Exact Sciences
Classification: Benign for EFCAB13-related condition. Last evaluated: 2019-02-19. Review status: no assertion criteria provided. Collection method: clinical testing. Allele origin: germline.
Comment: This variant is classified as benign based on ACMG/AMP sequence variant interpretation guidelines (Richards et al. 2015 PMID: 25741868, with internal and published modifications).